The following is an entry in ClinVar:

NM_014244.5(ADAMTS2):c.3046C>T (p.Arg1016Cys)

Gene: ADAMTS2 (ADAM metallopeptidase with thrombospondin type 1 motif 2; minus strand). Cytogenetic location: 5q35.3.
Variant type: single nucleotide variant.
Coding change: c.3046C>T on transcript NM_014244.5 (MANE Select); coding-DNA position 3046, C replaced by T.
Protein change: p.Arg1016Cys; replaces arginine 1016 with cysteine.
Molecular consequence: missense variant.
Genome position (GRCh38, 1-based): chr5:179,122,686, G>A on the plus strand (C>T on the coding strand, the complement: ADAMTS2 is on the minus strand). VCF-style: chr5-179122686-G-A. GRCh37 (hg19) VCF-style: chr5-178549687-G-A.
Other names: short protein forms R1016C.
Identifiers: ClinVar variation 2038337 (VCV002038337.4), dbSNP rs750487311, ClinGen allele CA3595320.
Genomic context (GRCh38, chr5:179,122,686, plus strand): 5'-GGGCTGCAGGTGGCTTACGGGGACAGGGGCCAAGCCTGCAGGTCCTCGCTGTCTCAGGAC[G>A]CTCCTCCTGGCAGATGCCGAAGCTGTCGTCCGCGGTGCGGCAGAGCACTGGCCGCTCCTG-3'
Protein context (NP_055059.2, residues 1006-1026): DDSFGICQEE[Arg1016Cys]PETARTCRLG

ClinVar aggregate classification (germline): Uncertain significance. Review status: criteria provided, multiple submitters, no conflicts (2 of 4 stars). 3 submissions from 3 submitters: Uncertain significance (3). Last evaluated 2024-05-07.

Conditions:
Inborn genetic diseases. Identifiers: MedGen C0950123, MeSH D030342.
Ehlers-Danlos syndrome, dermatosparaxis type. Also called: EDS VIIC; Ehlers-Danlos syndrome, type VII, autosomal recessive; Dermatosparaxis. Identifiers: Orphanet 1901, MedGen C2700425, MONDO:0009161, OMIM 225410.

Allele frequency attached by ClinVar (database versions not stated): gnomAD 0.00001; TOPMed 0.00002; gnomAD exomes 0.00007.
gnomAD v4.1: 93 of 1,551,324 alleles (0.006%); highest among the groups gnomAD compares: Non-Finnish European, 0.0079%; no homozygotes.

Submissions (3):

GeneDx
Classification: Uncertain significance. Last evaluated: 2024-05-07. Review status: criteria provided, single submitter. Criteria: GeneDx Variant Classification Process June 2021. Collection method: clinical testing. Allele origin: germline. Affected: yes.
Comment: In silico analysis supports that this missense variant has a deleterious effect on protein structure/function; Has not been previously published as pathogenic or benign to our knowledge

Ambry Genetics
Classification: Uncertain significance for Inborn genetic diseases. Last evaluated: 2022-11-10. Review status: criteria provided, single submitter. Criteria: Ambry Variant Classification Scheme 2023. Collection method: clinical testing. Allele origin: germline.

Labcorp Genetics (formerly Invitae), Labcorp
Classification: Uncertain significance for Ehlers-Danlos syndrome, dermatosparaxis type. Last evaluated: 2022-07-05. Review status: criteria provided, single submitter. Criteria: Invitae Variant Classification Sherloc (09022015). Collection method: clinical testing. Allele origin: germline.
Comment: This sequence change replaces arginine, which is basic and polar, with cysteine, which is neutral and slightly polar, at codon 1016 of the ADAMTS2 protein (p.Arg1016Cys). This variant is present in population databases (rs750487311, gnomAD 0.02%). This variant has not been reported in the literature in individuals affected with ADAMTS2-related conditions. Algorithms developed to predict the effect of missense changes on protein structure and function (SIFT, PolyPhen-2, Align-GVGD) all suggest that this variant is likely to be disruptive. In summary, the available evidence is currently insufficient to determine the role of this variant in disease. Therefore, it has been classified as a Variant of Uncertain Significance.